The following is an entry in ClinVar:

NM_004523.4(KIF11):c.1217+13_1217+14insACACCCTGCTAATTTTTGCATTTTTTTGTAGAGACAGGGTTTCACCATGCTGCCTAGGCTTCTATTTTG

Gene: KIF11 (kinesin family member 11; plus strand). Cytogenetic location: 10q23.33.
Variant type: Insertion.
Coding change: c.1217+13_1217+14insACACCCTGCTAATTTTTGCATTTTTTTGTAGAGACAGGGTTTCACCATGCTGCCTAGGCTTCTATTTTG on transcript NM_004523.4 (MANE Select); bases 13 to 14 of the intron after coding-DNA position 1217, ACACCCTGCTAATTTTTGCATTTTTTTGTAGAGACAGGGTTTCACCATGCTGCCTAGGCTTCTATTTTG inserted.
Molecular consequence: intron variant.
Genome position: GRCh38: chr10:92,621,486-92,621,487. GRCh37 (hg19): chr10:94,381,243-94,381,244.
Identifiers: ClinVar variation 1420301 (VCV001420301.8), dbSNP rs768214974, ClinGen allele CA2573145821.

ClinVar aggregate classification (germline): Uncertain significance (1 of 4 stars; one submission).

Submission:

Labcorp Genetics (formerly Invitae), Labcorp
Classification: Uncertain significance. Last evaluated: 2024-05-25. Review status: criteria provided, single submitter. Criteria: Invitae Variant Classification Sherloc (09022015). Collection method: clinical testing. Allele origin: germline.
Comment: This sequence change falls in intron 10 of the KIF11 gene. It does not directly change the encoded amino acid sequence of the KIF11 protein. This variant is not present in population databases (gnomAD no frequency). This variant has not been reported in the literature in individuals affected with KIF11-related conditions. ClinVar contains an entry for this variant (Variation ID: 1420301). Experimental studies and prediction algorithms are not available or were not evaluated, and the effect of this variant on mRNA splicing is currently unknown. In summary, the available evidence is currently insufficient to determine the role of this variant in disease. Therefore, it has been classified as a Variant of Uncertain Significance.